The following is an entry in ClinVar:

NM_007217.4(PDCD10):c.334_337del (p.Gln112fs)

Gene: PDCD10 (programmed cell death 10; minus strand). Cytogenetic location: 3q26.1.
Variant type: Deletion.
Coding change: c.334_337del on transcript NM_007217.4 (MANE Select); coding-DNA positions 334 to 337, 4 bases deleted (CAAA; older notation c.334_337delCAAA).
Protein change: p.Gln112fs; shifts the reading frame from glutamine 112.
Molecular consequence: frameshift variant.
Genome position (GRCh38, 1-based): chr3:167,695,654-167,695,657, TTTG deleted on the plus strand (CAAA on the coding strand, the reverse complement: PDCD10 is on the minus strand); deleting any 4 consecutive bases within chr3:167,695,654-167,695,660 gives the same sequence; the c. name uses the placement nearest the transcript's 3' end. VCF-style (leftmost placement, unchanged base first): chr3-167695653-ATTTG-A. GRCh37 (hg19) VCF-style: chr3-167413441-ATTTG-A.
Other names: c.334_337del (NM_145860.1, NM_007217.3); c.334_337del, p.Gln112fs (NM_145859.2, NM_145860.2); short protein forms Q112fs.
Identifiers: ClinVar variation 1453765 (VCV001453765.8), dbSNP rs2108403745, ClinGen allele CA2573136726.

ClinVar aggregate classification (germline): Pathogenic. Review status: criteria provided, multiple submitters, no conflicts (2 of 4 stars). 3 submissions from 3 submitters: Pathogenic (3). Last evaluated 2024-02-28.

Conditions:
Cerebral cavernous malformation 3. Also called: Familial Cerebral Cavernous Malformation 3. Identifiers: Orphanet 221061, MedGen C1864040, MONDO:0011305, OMIM 603285.

Submissions (3):

GeneDx
Classification: Pathogenic. Last evaluated: 2024-02-28. Review status: criteria provided, single submitter. Criteria: GeneDx Variant Classification Process June 2021. Collection method: clinical testing. Allele origin: germline. Affected: yes.
Comment: Frameshift variant predicted to result in protein truncation or nonsense mediated decay in a gene for which loss of function is a known mechanism of disease; Not observed at significant frequency in large population cohorts (gnomAD); This variant is associated with the following publications: (PMID: 26246098, 24689081)

Athena Diagnostics
Classification: Pathogenic. Last evaluated: 2024-02-09. Review status: criteria provided, single submitter. Criteria: Athena Diagnostics Criteria. Collection method: clinical testing. Allele origin: unknown.
Comment: This variant is expected to result in the loss of a functional protein. This variant has been identified in at least one individual with clinical features associated with this gene. This variant has not been reported in large, multi-ethnic general populations.

Labcorp Genetics (formerly Invitae), Labcorp
Classification: Pathogenic for Cerebral cavernous malformation 3. Last evaluated: 2021-09-24. Review status: criteria provided, single submitter. Criteria: Invitae Variant Classification Sherloc (09022015). Collection method: clinical testing. Allele origin: germline.
Comment: This sequence change creates a premature translational stop signal (p.Gln112Phefs*13) in the PDCD10 gene. It is expected to result in an absent or disrupted protein product. Loss-of-function variants in PDCD10 are known to be pathogenic (PMID: 15543491, 18300272, 23801932). This variant is not present in population databases (ExAC no frequency). This premature translational stop signal has been observed in individual(s) with cerebral cavernous malformations (PMID: 24689081, 26246098). It has also been observed to segregate with disease in related individuals. For these reasons, this variant has been classified as Pathogenic.

Literature cited by the submitters: PubMed 24689081 (cited by Athena Diagnostics and Labcorp Genetics (formerly Invitae), Labcorp); PubMed 26246098 (cited by Athena Diagnostics and Labcorp Genetics (formerly Invitae), Labcorp); PubMed 27153162 (cited by Athena Diagnostics); PubMed 28645800 (cited by Athena Diagnostics); PubMed 15543491 (cited by Labcorp Genetics (formerly Invitae), Labcorp); PubMed 18300272 (cited by Labcorp Genetics (formerly Invitae), Labcorp); PubMed 23801932 (cited by Labcorp Genetics (formerly Invitae), Labcorp).